The following is an entry in ClinVar:

ClinVar aggregate classification (germline): Conflicting classifications of pathogenicity. Review status: criteria provided, conflicting classifications (1 of 4 stars). 4 submissions from 4 submitters: Uncertain significance (3); Benign (1). Last evaluated 2025-12-21.

Conditions:
Hereditary cancer-predisposing syndrome. Also called: Hereditary neoplastic syndrome; Neoplastic Syndromes, Hereditary; Hereditary Cancer Syndrome; Tumor predisposition. Identifiers: Orphanet 140162, MedGen C0027672, MeSH D009386, MONDO:0015356.
Renal cell carcinoma. Identifiers: Orphanet 217071, MedGen C0007134, MeSH D002292, MONDO:0005086, HP:0005584.

Allele frequency attached by ClinVar (database versions not stated): ExAC 0.00001; gnomAD exomes 0.00001 and 0.00002; TOPMed 0.00001.
gnomAD v4.1: 33 of 1,613,900 alleles (0.002%); highest among the groups gnomAD compares: South Asian, 0.0066%; no homozygotes.

Submissions (4):

Labcorp Genetics (formerly Invitae), Labcorp
Classification: Uncertain significance for Renal cell carcinoma. Last evaluated: 2025-12-21. Review status: criteria provided, single submitter. Criteria: Invitae Variant Classification Sherloc (09022015). Collection method: clinical testing. Allele origin: germline.
Comment: This sequence change replaces asparagine, which is neutral and polar, with serine, which is neutral and polar, at codon 916 of the MET protein (p.Asn916Ser). This variant is present in population databases (rs766430458, gnomAD 0.003%). This variant has not been reported in the literature in individuals affected with MET-related conditions. ClinVar contains an entry for this variant (Variation ID: 568411). Invitae Evidence Modeling of protein sequence and biophysical properties (such as structural, functional, and spatial information, amino acid conservation, physicochemical variation, residue mobility, and thermodynamic stability) indicates that this missense variant is not expected to disrupt MET protein function with a negative predictive value of 80%. In summary, the available evidence is currently insufficient to determine the role of this variant in disease. Therefore, it has been classified as a Variant of Uncertain Significance.

Ambry Genetics
Classification: Benign for Hereditary cancer-predisposing syndrome. Last evaluated: 2025-08-26. Review status: criteria provided, single submitter. Criteria: Ambry Variant Classification Scheme 2023. Collection method: clinical testing. Allele origin: germline.

GeneDx
Classification: Uncertain significance. Last evaluated: 2024-12-19. Review status: criteria provided, single submitter. Criteria: GeneDx Variant Classification Process June 2021. Collection method: clinical testing. Allele origin: germline.
Comment: Not observed at significant frequency in large population cohorts (gnomAD); In silico analysis indicates that this missense variant does not alter protein structure/function; Has not been previously published as pathogenic or benign to our knowledge

Blueprint Genetics
Classification: Uncertain significance. Last evaluated: 2024-10-14. Review status: criteria provided, single submitter. Criteria: ACMG Guidelines, 2015. Collection method: clinical testing. Allele origin: germline.

NM_000245.4(MET):c.2693A>G (p.Asn898Ser)

Gene: MET (MET proto-oncogene, receptor tyrosine kinase; plus strand). Cytogenetic location: 7q31.2.
Variant type: single nucleotide variant.
Coding change: c.2693A>G on transcript NM_000245.4 (MANE Select); coding-DNA position 2693, A replaced by G.
Protein change: p.Asn898Ser; replaces asparagine 898 with serine.
Molecular consequence: missense variant.
Genome position (GRCh38, 1-based): chr7:116,769,754, A>G. VCF-style: chr7-116769754-A-G. GRCh37 (hg19) VCF-style: chr7-116409808-A-G.
Other names: c.2747A>G, p.Asn916Ser (NM_001127500.3); c.2693A>G, p.Asn898Ser (NM_001324401.3); c.1403A>G, p.Asn468Ser (NM_001324402.2); short protein forms N916S, N898S, N468S.
Identifiers: ClinVar variation 568411 (VCV000568411.17), dbSNP rs766430458, ClinGen allele CA4448550.